The following is an entry in ClinVar:

NM_001182.5(ALDH7A1):c.1442T>C (p.Val481Ala)

Gene: ALDH7A1 (aldehyde dehydrogenase 7 family member A1; minus strand). Cytogenetic location: 5q23.2.
Variant type: single nucleotide variant.
Coding change: c.1442T>C on transcript NM_001182.5 (MANE Select); coding-DNA position 1442, T replaced by C.
Protein change: p.Val481Ala; replaces valine 481 with alanine.
Molecular consequence: missense variant.
Genome position (GRCh38, 1-based): chr5:126,549,976, A>G on the plus strand (T>C on the coding strand, the complement: ALDH7A1 is on the minus strand). VCF-style: chr5-126549976-A-G. GRCh37 (hg19) VCF-style: chr5-125885668-A-G.
Other names: c.1358T>C, p.Val453Ala (NM_001201377.2); c.1250T>C, p.Val417Ala (NM_001202404.2); short protein forms V453A, V417A, V481A.
Identifiers: ClinVar variation 1379816 (VCV001379816.8), dbSNP rs144701796, ClinGen allele CA3389406.

ClinVar aggregate classification (germline): Uncertain significance (1 of 4 stars; one submission).

Conditions:
Pyridoxine-dependent epilepsy (EPEO4). Also called: Pyridoxine-Dependent Epilepsy - ALDH7A1; PYRIDOXINE DEPENDENCY WITH SEIZURES; EPILEPSY, EARLY-ONSET, 4, VITAMIN B6-DEPENDENT; Pyridoxine-Dependent Seizures. Identifiers: Orphanet 3006, MedGen C1849508, MONDO:0009945, OMIM 266100. Disease mechanism: loss of function.

Allele frequency attached by ClinVar (database versions not stated): gnomAD exomes below 0.00001; gnomAD 0.00002; ExAC 0.00001; TOPMed 0.00002; ESP Exome Variant Server 0.00008.

Submission:

Labcorp Genetics (formerly Invitae), Labcorp
Classification: Uncertain significance for Pyridoxine-dependent epilepsy. Last evaluated: 2022-01-07. Review status: criteria provided, single submitter. Criteria: Invitae Variant Classification Sherloc (09022015). Collection method: clinical testing. Allele origin: germline.
Comment: This sequence change replaces valine, which is neutral and non-polar, with alanine, which is neutral and non-polar, at codon 481 of the ALDH7A1 protein (p.Val481Ala). In summary, the available evidence is currently insufficient to determine the role of this variant in disease. Therefore, it has been classified as a Variant of Uncertain Significance. Advanced modeling of protein sequence and biophysical properties (such as structural, functional, and spatial information, amino acid conservation, physicochemical variation, residue mobility, and thermodynamic stability) performed at Invitae indicates that this missense variant is expected to disrupt ALDH7A1 protein function. This variant has not been reported in the literature in individuals affected with ALDH7A1-related conditions. This variant is present in population databases (rs144701796, gnomAD 0.02%).